The following is an entry in ClinVar:

ClinVar aggregate classification (germline): Benign/Likely benign. Review status: criteria provided, multiple submitters, no conflicts (2 of 4 stars). 3 submissions from 3 submitters: Benign (1); Likely benign (2). Last evaluated 2025-08-25.

Conditions:
Hereditary cancer-predisposing syndrome. Also called: Neoplastic Syndromes, Hereditary; Tumor predisposition; Hereditary neoplastic syndrome; Hereditary Cancer Syndrome. Identifiers: Orphanet 140162, MedGen C0027672, MeSH D009386, MONDO:0015356.
Familial cancer of breast. Also called: Hereditary breast cancer; hereditary breast carcinoma; BREAST CANCER, FAMILIAL. Identifiers: Orphanet 227535, MedGen C0346153, MONDO:0016419, OMIM 114480. Disease mechanism: loss of function.
Ataxia-telangiectasia syndrome (AT). Also called: Ataxia telangiectasia (A-T); ATAXIA-TELANGIECTASIA, COMPLEMENTATION GROUP A; ATAXIA-TELANGIECTASIA, FRESNO VARIANT; Ataxia-telangiectasia; Ataxia-telangiectasia, complementation group E; Cerebello-oculocutaneous telangiectasia. Identifiers: Orphanet 100, MedGen C0004135, MONDO:0008840, OMIM 208900.

Allele frequency attached by ClinVar (database versions not stated): gnomAD exomes below 0.00001.
gnomAD v4.1: 1 of 1,614,006 alleles (0.000062%); highest among the groups gnomAD compares: East Asian, 0.0022%; no homozygotes.

Submissions (3):

Ambry Genetics
Classification: Likely benign for Hereditary cancer-predisposing syndrome. Last evaluated: 2025-08-25. Review status: criteria provided, single submitter. Criteria: Ambry Variant Classification Scheme 2023. Collection method: clinical testing. Allele origin: germline.

Myriad Genetics, Inc.
Classification: Benign for Familial cancer of breast. Last evaluated: 2024-05-10. Review status: criteria provided, single submitter. Criteria: Myriad Autosomal Dominant, Autosomal Recessive and X-Linked Classification Criteria (2023). Collection method: clinical testing. Allele origin: unknown.
Comment: This variant is considered benign. This variant is a silent/synonymous amino acid change and it is not expected to impact splicing.

Labcorp Genetics (formerly Invitae), Labcorp
Classification: Likely benign for Ataxia-telangiectasia syndrome. Last evaluated: 2023-08-02. Review status: criteria provided, single submitter. Criteria: Invitae Variant Classification Sherloc (09022015). Collection method: clinical testing. Allele origin: germline.

NM_000051.4(ATM):c.2916A>T (p.Pro972=)

Gene: ATM (ATM serine/threonine kinase; plus strand). Cytogenetic location: 11q22.3.
Variant type: single nucleotide variant.
Coding change: c.2916A>T on transcript NM_000051.4 (MANE Select); coding-DNA position 2916, A replaced by T.
Protein change: p.Pro972=; no amino-acid change (proline 972 retained).
Molecular consequence: synonymous variant.
Genome position (GRCh38, 1-based): chr11:108,271,141, A>T. VCF-style: chr11-108271141-A-T. GRCh37 (hg19) VCF-style: chr11-108141868-A-T.
Other names: c.2916A>T (NM_000051.3); c.2916A>T, p.Pro972= (NM_001351834.2).
Identifiers: ClinVar variation 1545950 (VCV001545950.10), dbSNP rs2081553201, ClinGen allele CA476674218.